The following is an entry in ClinVar:

ClinVar aggregate classification (germline): Uncertain significance. Review status: criteria provided, multiple submitters, no conflicts (2 of 4 stars). 2 submissions from 2 submitters: Uncertain significance (2). Last evaluated 2025-12-01.

Conditions:
Brain small vessel disease 1 with or without ocular anomalies (BSVD1). Also called: BRAIN SMALL VESSEL DISEASE WITH HEMORRHAGE; Brain small vessel disease with or without ocular anomalies; GOULD SYNDROME 1; PORENCEPHALY, TYPE 1, AUTOSOMAL DOMINANT. Identifiers: Orphanet 2940, Orphanet 36383, Orphanet 99810, MedGen C4755307, MONDO:0008289, OMIM 175780.
Hemorrhage, intracerebral, susceptibility to (ICH). Also called: Stroke, hemorrhagic, susceptibility to. Identifiers: MedGen C3281105, MONDO:0100533, OMIM 614519.
Retinal arterial tortuosity. Also called: RETINAL HEMORRHAGE WITH VASCULAR TORTUOSITY; Retinal arteries, tortuosity of. Identifiers: Orphanet 75326, MedGen C0423401, MONDO:0008373, OMIM 180000, HP:0000631.
Autosomal dominant familial hematuria-retinal arteriolar tortuosity-contractures syndrome. Also called: Angiopathy, hereditary, with nephropathy, aneurysms, and muscle cramps; Hereditary Angiopathy with Nephropathy, Aneurysms, and Muscle Cramps (HANAC) Syndrome. Identifiers: Orphanet 73229, MedGen C2673195, MONDO:0012726, OMIM 611773.
Microangiopathy and leukoencephalopathy, pontine, autosomal dominant. Also called: DEMENTIA, HEREDITARY MULTI-INFARCT, SWEDISH TYPE; Pontine autosomal dominant microangiopathy with leukoencephalopathy. Identifiers: Orphanet 477749, MedGen C5231411, MONDO:0032814, OMIM 618564.

gnomAD v4.1: 8 of 1,614,004 alleles (0.0005%); highest among the groups gnomAD compares: African/African-American, 0.004%; no homozygotes.

Submissions (2):

Labcorp Genetics (formerly Invitae), Labcorp
Classification: Uncertain significance. Last evaluated: 2025-12-01. Review status: criteria provided, single submitter. Criteria: Invitae Variant Classification Sherloc (09022015). Collection method: clinical testing. Allele origin: germline.
Comment: This sequence change replaces isoleucine, which is neutral and non-polar, with valine, which is neutral and non-polar, at codon 962 of the COL4A1 protein (p.Ile962Val). This variant is present in population databases (rs139635854, gnomAD 0.007%). This variant has not been reported in the literature in individuals affected with COL4A1-related conditions. ClinVar contains an entry for this variant (Variation ID: 3575708). Invitae Evidence Modeling of protein sequence and biophysical properties (such as structural, functional, and spatial information, amino acid conservation, physicochemical variation, residue mobility, and thermodynamic stability) indicates that this missense variant is not expected to disrupt COL4A1 protein function with a negative predictive value of 95%. In summary, the available evidence is currently insufficient to determine the role of this variant in disease. Therefore, it has been classified as a Variant of Uncertain Significance.

Fulgent Genetics
Classification: Uncertain significance for Brain small vessel disease 1 with or without ocular anomalies; Retinal arterial tortuosity; Autosomal dominant familial hematuria-retinal arteriolar tortuosity-contractures syndrome; Hemorrhage, intracerebral, susceptibility to; Microangiopathy and leukoencephalopathy, pontine, autosomal dominant. Last evaluated: 2024-01-30. Review status: criteria provided, single submitter. Criteria: ACMG Guidelines, 2015. Collection method: clinical testing. Allele origin: germline.

NM_001845.6(COL4A1):c.2884A>G (p.Ile962Val)

Gene: COL4A1 (collagen type IV alpha 1 chain; minus strand). Cytogenetic location: 13q34.
Variant type: single nucleotide variant.
Coding change: c.2884A>G on transcript NM_001845.6 (MANE Select); coding-DNA position 2884, A replaced by G.
Protein change: p.Ile962Val; replaces isoleucine 962 with valine.
Molecular consequence: missense variant.
Genome position (GRCh38, 1-based): chr13:110,176,710, T>C on the plus strand (A>G on the coding strand, the complement: COL4A1 is on the minus strand). VCF-style: chr13-110176710-T-C. GRCh37 (hg19) VCF-style: chr13-110829057-T-C.
Other names: short protein forms I962V.
Identifiers: ClinVar variation 3575708 (VCV003575708.2).